The following is an entry in ClinVar:

ClinVar aggregate classification (germline): Uncertain significance. Review status: criteria provided, multiple submitters, no conflicts (2 of 4 stars). 3 submissions from 3 submitters: Uncertain significance (3). Last evaluated 2025-08-10.

Conditions:
Inborn genetic diseases. Identifiers: MedGen C0950123, MeSH D030342.
DMXL2-related disorder. Also called: DMXL2-related condition.

Allele frequency attached by ClinVar (database versions not stated): ExAC 0.00001; gnomAD 0.00001; gnomAD exomes 0.00001; TOPMed 0.00002.
gnomAD v4.1: 11 of 1,613,842 alleles (0.00068%); highest among the groups gnomAD compares: Admixed American, 0.0033%; no homozygotes.

Submissions (3):

Ambry Genetics
Classification: Uncertain significance for Inborn genetic diseases. Last evaluated: 2025-08-10. Review status: criteria provided, single submitter. Criteria: Ambry Variant Classification Scheme 2023. Collection method: clinical testing. Allele origin: germline.

PreventionGenetics, part of Exact Sciences
Classification: Uncertain significance for DMXL2-related condition. Last evaluated: 2025-05-22. Review status: criteria provided, single submitter. Criteria: ACMG Guidelines, 2015. Collection method: clinical testing. Allele origin: germline.
Comment: The DMXL2 c.3824A>G variant is predicted to result in the amino acid substitution p.Lys1275Arg. To our knowledge, this variant has not been reported in the literature. This variant is reported in 0.00088% of alleles in individuals of European (Non-Finnish) descent in gnomAD. At this time, the clinical significance of this variant is uncertain due to the absence of conclusive functional and genetic evidence.

Labcorp Genetics (formerly Invitae), Labcorp
Classification: Uncertain significance. Last evaluated: 2022-10-30. Review status: criteria provided, single submitter. Criteria: Invitae Variant Classification Sherloc (09022015). Collection method: clinical testing. Allele origin: germline.
Comment: In summary, the available evidence is currently insufficient to determine the role of this variant in disease. Therefore, it has been classified as a Variant of Uncertain Significance. Algorithms developed to predict the effect of missense changes on protein structure and function (SIFT, PolyPhen-2, Align-GVGD) all suggest that this variant is likely to be tolerated. This variant has not been reported in the literature in individuals affected with DMXL2-related conditions. This variant is not present in population databases (gnomAD no frequency). This sequence change replaces lysine, which is basic and polar, with arginine, which is basic and polar, at codon 1275 of the DMXL2 protein (p.Lys1275Arg).

NM_001378457.1(DMXL2):c.3824A>G (p.Lys1275Arg)

Gene: DMXL2 (Dmx like 2; minus strand). Cytogenetic location: 15q21.2.
Variant type: single nucleotide variant.
Coding change: c.3824A>G on transcript NM_001378457.1 (MANE Select); coding-DNA position 3824, A replaced by G.
Protein change: p.Lys1275Arg; replaces lysine 1275 with arginine.
Molecular consequence: missense variant. On other transcripts: non-coding transcript variant (2), intron variant (2).
Genome position (GRCh38, 1-based): chr15:51,499,400, T>C on the plus strand (A>G on the coding strand, the complement: DMXL2 is on the minus strand). VCF-style: chr15-51499400-T-C. GRCh37 (hg19) VCF-style: chr15-51791597-T-C.
Other names: c.3824A>G, p.Lys1275Arg (NM_001174116.3, NM_001378458.1, NM_001378459.1 and 4 more transcripts); c.3584A>G, p.Lys1195Arg (NM_001378464.1); c.2765-7653A>G (NM_001378460.1); c.2765-4266A>G (NM_001174117.3); c.3824A>G (NM_001174116.1); short protein forms K1195R, K1275R.
Identifiers: ClinVar variation 2969036 (VCV002969036.4), dbSNP rs755991566, ClinGen allele CA7562111.
Genomic context (GRCh38, chr15:51,499,400, plus strand): 5'-ATTGCTGCCTCTTCTGCATTAGAACTATCAGCTTCAGTGTCTCCAAATTTGACAGCATGC[T>C]TCCACTGTGCATATACATGCATTTCACAATCCATTCCTACCACCAATATCCCATCTCTTA-3'
Protein context (NP_001365386.1, residues 1265-1285): DCEMHVYAQW[Lys1275Arg]HAVKFGDTEA